The following is an entry in ClinVar:

NM_007294.4(BRCA1):c.2391A>C (p.Glu797Asp)

Gene: BRCA1 (BRCA1 DNA repair associated; minus strand). Cytogenetic location: 17q21.31.
Variant type: single nucleotide variant.
Coding change: c.2391A>C on transcript NM_007294.4 (MANE Select); coding-DNA position 2391, A replaced by C.
Protein change: p.Glu797Asp; replaces glutamic acid 797 with aspartic acid.
Molecular consequence: missense variant. On other transcripts: intron variant (137).
Genome position (GRCh38, 1-based): chr17:43,093,140, T>G on the plus strand (A>C on the coding strand, the complement: BRCA1 is on the minus strand). VCF-style: chr17-43093140-T-G. GRCh37 (hg19) VCF-style: chr17-41245157-T-G.
Other names: c.2268A>C, p.Glu756Asp (NM_001407679.1, NM_001407680.1, NM_001407681.1 and 19 more transcripts); c.2391A>C, p.Glu797Asp (NM_001407684.1, NM_001407854.1, NM_001407858.1 and 30 more transcripts); c.2265A>C, p.Glu755Asp (NM_001407685.1, NM_001407686.1, NM_001407687.1 and 11 more transcripts); c.2250A>C, p.Glu750Asp (NM_001407724.1, NM_001407725.1, NM_001407726.1 and 29 more transcripts); c.2247A>C, p.Glu749Asp (NM_001407743.1, NM_001407744.1, NM_001407745.1 and 20 more transcripts); c.2178A>C, p.Glu726Asp (NM_001407853.1, NM_001407894.1, NM_001407895.1 and 9 more transcripts); c.2181A>C, p.Glu727Asp (NM_001407885.1, NM_001407886.1, NM_001407887.1 and 13 more transcripts); c.2127A>C, p.Glu709Asp (NM_001407920.1, NM_001407921.1, NM_001407922.1 and 9 more transcripts); and 41 more; short protein forms E501D, E629D, E669D, E670D, E685D, E686D, E708D, E709D.
Identifiers: ClinVar variation 4856538 (VCV004856538.1).

ClinVar aggregate classification (germline): Likely benign (1 of 4 stars; one submission).

Conditions:
Breast-ovarian cancer, familial, susceptibility to, 1 (BROVCA1). Also called: OVARIAN CANCER, SUSCEPTIBILITY TO; BRCA1 Hereditary Breast and Ovarian Cancer. Identifiers: Orphanet 145, MedGen C2676676, MONDO:0011450, OMIM 604370. Disease mechanism: loss of function.

gnomAD v4.1: 1 of 1,613,640 alleles (0.000062%); highest among the groups gnomAD compares: South Asian, 0.0011%; no homozygotes.

Submission:

Cancer Bioinformatics and Tumour Evolution Laboratory, Monash University
Classification: Likely benign for Breast-ovarian cancer, familial, susceptibility to, 1. Last evaluated: 2026-05-01. Review status: criteria provided, single submitter. Criteria: ClinGen BRCA1 and BRCA2 Guidelines, 2024. Collection method: curation. Allele origin: germline. Inheritance: Autosomal dominant inheritance.
Comment: Missense variant outside of a functional domain with no splice impact. BRCA1 and BRCA2 VCEP guidelines recommend application of BP1_Strong (PMID: 39142283)